The following is an entry in ClinVar:

ClinVar aggregate classification (germline): Uncertain significance (1 of 4 stars; one submission).

Submission:

Women's Health and Genetics/Laboratory Corporation of America, LabCorp
Classification: Uncertain significance. Last evaluated: 2024-06-21. Review status: criteria provided, single submitter. Criteria: LabCorp Variant Classification Summary - May 2015. Collection method: clinical testing. Allele origin: germline.
Comment: Variant summary: ANO1 c.1474G>T (p.Val492Phe) results in a non-conservative amino acid change located in the Anoctamin, transmembrane domain (IPR049452) of the encoded protein sequence. Three of five in-silico tools predict a benign effect of the variant on protein function. The frequency data for this variant in gnomAD is considered unreliable, as metrics indicate poor data quality at this position. To our knowledge, no occurrence of c.1474G>T in individuals affected with ANO1-Related Disorders and no experimental evidence demonstrating its impact on protein function have been reported. No submitters have cited clinical-significance assessments for this variant to ClinVar. Based on the evidence outlined above, the variant was classified as uncertain significance.

NM_018043.7(ANO1):c.1474G>T (p.Val492Phe)

Gene: ANO1 (anoctamin 1; plus strand). Cytogenetic location: 11q13.3.
Variant type: single nucleotide variant.
Coding change: c.1474G>T on transcript NM_018043.7 (MANE Select); coding-DNA position 1474, G replaced by T.
Protein change: p.Val492Phe; replaces valine 492 with phenylalanine.
Molecular consequence: missense variant. On other transcripts: intron variant (3).
Genome position (GRCh38, 1-based): chr11:70,155,959, G>T. VCF-style: chr11-70155959-G-T. GRCh37 (hg19) VCF-style: chr11-70002065-G-T.
Other names: c.1663G>T, p.Val555Phe (NM_001378092.1); c.1462G>T, p.Val488Phe (NM_001378093.1, NM_001378094.2); c.1492-988G>T (NM_001378095.2); c.1414-988G>T (NM_001378096.2); c.1327-988G>T (NM_001378097.2); short protein forms V488F, V492F, V555F.
Identifiers: ClinVar variation 3339896 (VCV003339896.1).
Genomic context (GRCh38, chr11:70,155,959, plus strand): 5'-ACCCCCCCTCAGAAGCGCCGGCATATTCCAGAGGAGTCAACAAACAAATGGAAGCAGAGG[G>T]TTAAGACAGCCATGGCGGGGGTGAAATTGGTACTTTTCTATTTTGCGGGCAGCGCGCGTC-3'
Protein context (NP_060513.5, residues 482-502): EESTNKWKQR[Val492Phe]KTAMAGVKLT